The following is an entry in ClinVar:

NM_004655.4(AXIN2):c.1394G>C (p.Arg465Pro)

Gene: AXIN2 (axin 2; minus strand). Cytogenetic location: 17q24.1.
Variant type: single nucleotide variant.
Coding change: c.1394G>C on transcript NM_004655.4 (MANE Select); coding-DNA position 1394, G replaced by C.
Protein change: p.Arg465Pro; replaces arginine 465 with proline.
Molecular consequence: missense variant.
Genome position (GRCh38, 1-based): chr17:65,537,642, C>G on the plus strand (G>C on the coding strand, the complement: AXIN2 is on the minus strand). VCF-style: chr17-65537642-C-G. GRCh37 (hg19) VCF-style: chr17-63533760-C-G.
Other names: c.1394G>C, p.Arg465Pro (NM_001363813.1); short protein forms R465P.
Identifiers: ClinVar variation 1771604 (VCV001771604.5), dbSNP rs764640447, ClinGen allele CA400677593.

ClinVar aggregate classification (germline): Uncertain significance. Review status: criteria provided, multiple submitters, no conflicts (2 of 4 stars). 2 submissions from 2 submitters: Uncertain significance (2). Last evaluated 2025-01-21.

Conditions:
Hereditary cancer-predisposing syndrome. Also called: Hereditary Cancer Syndrome; Hereditary neoplastic syndrome; Neoplastic Syndromes, Hereditary; Tumor predisposition. Identifiers: Orphanet 140162, MedGen C0027672, MeSH D009386, MONDO:0015356.
Oligodontia-cancer predisposition syndrome. Also called: TOOTH AGENESIS-COLORECTAL CANCER SYNDROME. Identifiers: Orphanet 300576, MedGen C1837750, MONDO:0012075, OMIM 608615. Disease mechanism: loss of function.

gnomAD v4.1: 4 of 1,579,060 alleles (0.00025%); highest among the groups gnomAD compares: South Asian, 0.0011%; no homozygotes.

Submissions (2):

Ambry Genetics
Classification: Uncertain significance for Hereditary cancer-predisposing syndrome. Last evaluated: 2025-01-21. Review status: criteria provided, single submitter. Criteria: Ambry Variant Classification Scheme 2023. Collection method: clinical testing. Allele origin: germline.
Comment: The p.R465P variant (also known as c.1394G>C), located in coding exon 5 of the AXIN2 gene, results from a G to C substitution at nucleotide position 1394. The arginine at codon 465 is replaced by proline, an amino acid with dissimilar properties. This amino acid position is well conserved in available vertebrate species. In addition, this alteration is predicted to be tolerated by in silico analysis. Based on the available evidence, the clinical significance of this variant remains unclear.

Labcorp Genetics (formerly Invitae), Labcorp
Classification: Uncertain significance for Oligodontia-cancer predisposition syndrome. Last evaluated: 2024-12-12. Review status: criteria provided, single submitter. Criteria: Invitae Variant Classification Sherloc (09022015). Collection method: clinical testing. Allele origin: germline.
Comment: This sequence change replaces arginine, which is basic and polar, with proline, which is neutral and non-polar, at codon 465 of the AXIN2 protein (p.Arg465Pro). This variant is not present in population databases (gnomAD no frequency). This variant has not been reported in the literature in individuals affected with AXIN2-related conditions. ClinVar contains an entry for this variant (Variation ID: 1771604). Invitae Evidence Modeling of protein sequence and biophysical properties (such as structural, functional, and spatial information, amino acid conservation, physicochemical variation, residue mobility, and thermodynamic stability) indicates that this missense variant is not expected to disrupt AXIN2 protein function with a negative predictive value of 80%. In summary, the available evidence is currently insufficient to determine the role of this variant in disease. Therefore, it has been classified as a Variant of Uncertain Significance.